The following is an entry in ClinVar:

NM_012448.4(STAT5B):c.1681-5A>G

Gene: STAT5B (signal transducer and activator of transcription 5B; minus strand). Cytogenetic location: 17q21.2.
Variant type: single nucleotide variant.
Coding change: c.1681-5A>G on transcript NM_012448.4 (MANE Select); 5 bases into the intron before coding-DNA position 1681, A replaced by G.
Molecular consequence: intron variant.
Genome position (GRCh38, 1-based): chr17:42,210,502, T>C on the plus strand (A>G on the coding strand, the complement: STAT5B is on the minus strand). VCF-style: chr17-42210502-T-C. GRCh37 (hg19) VCF-style: chr17-40362520-T-C.
Identifiers: ClinVar variation 1373781 (VCV001373781.6), dbSNP rs2144219612, ClinGen allele CA2573153929.
Genomic context (GRCh38, chr17:42,210,502, plus strand): 5'-TCCATCACACCGTCAAACCATTGCCAGAAAGTGTAATTCCGTCCTGGTAAATTCTCCTGG[T>C]TGGAGATACAACAGTGAACATAAGAACACCAGAGTAACACTTGGAATATTATACACATAT-3'

ClinVar aggregate classification (germline): Uncertain significance (1 of 4 stars; one submission).

Conditions:
Growth hormone insensitivity with immune dysregulation 1, autosomal recessive. Also called: GROWTH HORMONE INSENSITIVITY SYNDROME WITH IMMUNE DYSREGULATION 1, AUTOSOMAL RECESSIVE; GROWTH HORMONE INSENSITIVITY DUE TO POSTRECEPTOR DEFECT; LARON SYNDROME DUE TO POSTRECEPTOR DEFECT; Laron syndrome with immunodeficiency. Identifiers: Orphanet 220465, MedGen C5435698, MONDO:0100211, OMIM 245590.

Submission:

Labcorp Genetics (formerly Invitae), Labcorp
Classification: Uncertain significance for Growth hormone insensitivity with immune dysregulation 1, autosomal recessive. Last evaluated: 2023-11-28. Review status: criteria provided, single submitter. Criteria: Invitae Variant Classification Sherloc (09022015). Collection method: clinical testing. Allele origin: germline.
Comment: This sequence change falls in intron 13 of the STAT5B gene. It does not directly change the encoded amino acid sequence of the STAT5B protein. This variant is not present in population databases (gnomAD no frequency). This variant has not been reported in the literature in individuals affected with STAT5B-related conditions. ClinVar contains an entry for this variant (Variation ID: 1373781). Algorithms developed to predict the effect of sequence changes on RNA splicing suggest that this variant may disrupt the consensus splice site. In summary, the available evidence is currently insufficient to determine the role of this variant in disease. Therefore, it has been classified as a Variant of Uncertain Significance.